The following is an entry in ClinVar:

NM_000719.7(CACNA1C):c.6328G>A (p.Gly2110Ser)

Genes: CACNA1C (calcium voltage-gated channel subunit alpha1 C; plus strand), CACNA1C-AS1 (CACNA1C antisense RNA 1; minus strand). Cytogenetic location: 12p13.33.
Variant type: single nucleotide variant.
Coding change: c.6328G>A on transcript NM_000719.7 (MANE Select); coding-DNA position 6328, G replaced by A.
Protein change: p.Gly2110Ser; replaces glycine 2110 with serine.
Molecular consequence: missense variant. On other transcripts: non-coding transcript variant (1).
Genome position (GRCh38, 1-based): chr12:2,691,110, G>A. VCF-style: chr12-2691110-G-A. GRCh37 (hg19) VCF-style: chr12-2800276-G-A.
Other names: c.6472G>A, p.Gly2158Ser (NM_001129827.2); c.6451G>A, p.Gly2151Ser (NM_001129829.2); c.6433G>A, p.Gly2145Ser (NM_001129830.3, NM_001167624.3); c.6412G>A, p.Gly2138Ser (NM_001129831.2); c.6388G>A, p.Gly2130Ser (NM_001129832.2); c.6385G>A, p.Gly2129Ser (NM_001129833.2, NM_001129834.2, NM_001129835.2); c.6379G>A, p.Gly2127Ser (NM_001129836.2); c.6352G>A, p.Gly2118Ser (NM_001129837.2, NM_001129838.2); and 6 more; short protein forms G2116S, G2158S, G2099S, G2110S, G2138S, G2107S, G2118S, G2130S.
Identifiers: ClinVar variation 1752876 (VCV001752876.6), dbSNP rs778550803, ClinGen allele CA6390122.
Genomic context (GRCh38, chr12:2,691,110, plus strand): 5'-CCCAATGGCGCCCTCTTACCCTTTGTGAACTGCAGGGACGCGGGGCAGGACCGAGCCGGG[G>A]GCGAAGAGGACGCGGGCTGTGTGCGCGCGCGGGGTCGACCGAGTGAGGAGGAGCTCCAGG-3'
Protein context (NP_000710.5, residues 2100-2120): CRDAGQDRAG[Gly2110Ser]EEDAGCVRAR

ClinVar aggregate classification (germline): Uncertain significance. Review status: criteria provided, multiple submitters, no conflicts (2 of 4 stars). 2 submissions from 2 submitters: Uncertain significance (2). Last evaluated 2023-08-10.

Conditions:
Cardiovascular phenotype. Identifiers: MedGen CN230736.
Long QT syndrome (LQTS). Identifiers: MedGen C0023976, MeSH D008133, MONDO:0002442. Disease mechanism: loss of function. Inheritance: Various modes of inheritance.

Allele frequency attached by ClinVar (database versions not stated): ExAC 0.00001.
gnomAD v4.1: 12 of 1,612,220 alleles (0.00074%); highest among the groups gnomAD compares: Non-Finnish European, 0.001%; no homozygotes.

Submissions (2):

Labcorp Genetics (formerly Invitae), Labcorp
Classification: Uncertain significance for Long QT syndrome. Last evaluated: 2023-08-10. Review status: criteria provided, single submitter. Criteria: Invitae Variant Classification Sherloc (09022015). Collection method: clinical testing. Allele origin: germline.
Comment: ClinVar contains an entry for this variant (Variation ID: 1752876). Advanced modeling of protein sequence and biophysical properties (such as structural, functional, and spatial information, amino acid conservation, physicochemical variation, residue mobility, and thermodynamic stability) performed at Invitae indicates that this missense variant is not expected to disrupt CACNA1C protein function. In summary, the available evidence is currently insufficient to determine the role of this variant in disease. Therefore, it has been classified as a Variant of Uncertain Significance. This sequence change replaces glycine, which is neutral and non-polar, with serine, which is neutral and polar, at codon 2110 of the CACNA1C protein (p.Gly2110Ser). This variant is present in population databases (rs778550803, gnomAD 0.002%). This variant has not been reported in the literature in individuals affected with CACNA1C-related conditions.

Ambry Genetics
Classification: Uncertain significance for Cardiovascular phenotype. Last evaluated: 2019-03-20. Review status: criteria provided, single submitter. Criteria: Ambry Variant Classification Scheme 2023. Collection method: clinical testing. Allele origin: germline.
Comment: The p.G2110S variant (also known as c.6328G>A), located in coding exon 47 of the CACNA1C gene, results from a G to A substitution at nucleotide position 6328. The glycine at codon 2110 is replaced by serine, an amino acid with similar properties. This amino acid position is not well conserved in available vertebrate species. In addition, this alteration is predicted to be tolerated by in silico analysis. Since supporting evidence is limited at this time, the clinical significance of this alteration remains unclear.